The following is an entry in ClinVar:

ClinVar aggregate classification (germline): Uncertain significance (1 of 4 stars; one submission).

Conditions:
Gorlin syndrome. Also called: Nevoid Basal Cell Carcinoma Syndrome; Basal cell nevus syndrome. Identifiers: Orphanet 377, MedGen C0004779, MONDO:0007187.
Medulloblastoma (MDB). Also called: MEDULLOBLASTOMA PREDISPOSITION SYNDROME; Medulloblastoma, somatic. Identifiers: Orphanet 616, MedGen C0025149, MeSH D008527, MONDO:0007959, OMIM 155255, HP:0002885.

Submission:

Labcorp Genetics (formerly Invitae), Labcorp
Classification: Uncertain significance for Gorlin syndrome; Medulloblastoma. Last evaluated: 2023-03-07. Review status: criteria provided, single submitter. Criteria: Invitae Variant Classification Sherloc (09022015). Collection method: clinical testing. Allele origin: germline.
Comment: In summary, the available evidence is currently insufficient to determine the role of this variant in disease. Therefore, it has been classified as a Variant of Uncertain Significance. Advanced modeling of protein sequence and biophysical properties (such as structural, functional, and spatial information, amino acid conservation, physicochemical variation, residue mobility, and thermodynamic stability) performed at Invitae indicates that this missense variant is not expected to disrupt SUFU protein function. This variant has not been reported in the literature in individuals affected with SUFU-related conditions. This variant is not present in population databases (gnomAD no frequency). This sequence change replaces lysine, which is basic and polar, with glutamic acid, which is acidic and polar, at codon 303 of the SUFU protein (p.Lys303Glu).

NM_016169.4(SUFU):c.907A>G (p.Lys303Glu)

Gene: SUFU (SUFU negative regulator of hedgehog signaling; plus strand). Cytogenetic location: 10q24.32.
Variant type: single nucleotide variant.
Coding change: c.907A>G on transcript NM_016169.4 (MANE Select); coding-DNA position 907, A replaced by G.
Protein change: p.Lys303Glu; replaces lysine 303 with glutamic acid.
Molecular consequence: missense variant.
Genome position (GRCh38, 1-based): chr10:102,597,290, A>G. VCF-style: chr10-102597290-A-G. GRCh37 (hg19) VCF-style: chr10-104357047-A-G.
Other names: c.907A>G, p.Lys303Glu (NM_001178133.2); short protein forms K303E.
Identifiers: ClinVar variation 2945060 (VCV002945060.3), dbSNP rs2545095376, ClinGen allele CA377910893.